The following is an entry in ClinVar:

ClinVar aggregate classification (germline): Uncertain significance (1 of 4 stars; one submission).

Conditions:
Intellectual developmental disorder, autosomal dominant 64. Also called: MENTAL RETARDATION, AUTOSOMAL DOMINANT 64. Identifiers: MedGen C5543067, MONDO:0030934, OMIM 619188.

Allele frequency attached by ClinVar (database versions not stated): gnomAD exomes 0.00001; ExAC 0.00003.

Submission:

Foundation for Research in Genetics and Endocrinology, FRIGE's Institute of Human Genetics
Classification: Uncertain significance for Intellectual developmental disorder, autosomal dominant 64. Last evaluated: 2023-03-15. Review status: criteria provided, single submitter. Criteria: ACMG Guidelines, 2015. Collection method: clinical testing. Allele origin: germline. Inheritance: Autosomal dominant inheritance. Affected: yes. Observed: 1 heterozygote.
Comment: A heterozygous missense variant in exon 8 of the ZNF292 gene ( that results in the amino acid substitution of Asparagine for Glycine at codon 1486 (p.Gly1486Asp) was detected. The p.Gly1486Asp variant has not been reported in 1000 genomes, gnomAD (v3.1), gnomdAD (v2) and topmed databases. The in silico prediction of the variant is damaging by LRT. The reference codon is conserved across species. In summary, the variant meets our criteria to be classified as variant of uncertain significance.

NM_015021.3(ZNF292):c.4457G>A (p.Gly1486Asp)

Gene: ZNF292 (zinc finger protein 292; plus strand). Cytogenetic location: 6q14.3.
Variant type: single nucleotide variant.
Coding change: c.4457G>A on transcript NM_015021.3 (MANE Select); coding-DNA position 4457, G replaced by A.
Protein change: p.Gly1486Asp; replaces glycine 1486 with aspartic acid.
Molecular consequence: missense variant.
Genome position (GRCh38, 1-based): chr6:87,258,086, G>A. VCF-style: chr6-87258086-G-A. GRCh37 (hg19) VCF-style: chr6-87967804-G-A.
Other names: p.Gly1486Asp; c.4037G>A, p.Gly1346Asp (NM_001351444.2); short protein forms G1346D, G1486D.
Identifiers: ClinVar variation 2498321 (VCV002498321.2), dbSNP rs759339523, ClinGen allele CA3914309.